The following is an entry in ClinVar:

ClinVar aggregate classification (germline): Uncertain significance (1 of 4 stars; one submission).

Conditions:
Hereditary cancer-predisposing syndrome. Also called: Neoplastic Syndromes, Hereditary; Tumor predisposition; Hereditary neoplastic syndrome; Hereditary Cancer Syndrome. Identifiers: Orphanet 140162, MedGen C0027672, MeSH D009386, MONDO:0015356.

Allele frequency attached by ClinVar (database versions not stated): TOPMed below 0.00001.

Submission:

Ambry Genetics
Classification: Uncertain significance for Hereditary cancer-predisposing syndrome. Last evaluated: 2019-02-22. Review status: criteria provided, single submitter. Criteria: Ambry Variant Classification Scheme 2023. Collection method: clinical testing. Allele origin: germline.
Comment: The p.E1828K variant (also known as c.5482G>A), located in coding exon 24 of the DICER1 gene, results from a G to A substitution at nucleotide position 5482. The glutamic acid at codon 1828 is replaced by lysine, an amino acid with similar properties. This amino acid position is highly conserved in available vertebrate species. In addition, this alteration is predicted to be deleterious by in silico analysis. Since supporting evidence is limited at this time, the clinical significance of this alteration remains unclear.

NM_177438.3(DICER1):c.5482G>A (p.Glu1828Lys)

Gene: DICER1 (dicer 1, ribonuclease III; minus strand). Cytogenetic location: 14q32.13.
Variant type: single nucleotide variant.
Coding change: c.5482G>A on transcript NM_177438.3 (MANE Select); coding-DNA position 5482, G replaced by A.
Protein change: p.Glu1828Lys; replaces glutamic acid 1828 with lysine.
Molecular consequence: missense variant. On other transcripts: intron variant (1).
Genome position (GRCh38, 1-based): chr14:95,091,248, C>T on the plus strand (G>A on the coding strand, the complement: DICER1 is on the minus strand). VCF-style: chr14-95091248-C-T. GRCh37 (hg19) VCF-style: chr14-95557585-C-T.
Other names: c.5482G>A, p.Glu1828Lys (NM_001271282.3, NM_001291628.2, NM_030621.4); c.5365-139G>A (NM_001195573.1); short protein forms E1828K.
Identifiers: ClinVar variation 825765 (VCV000825765.4), dbSNP rs1595314523, ClinGen allele CA390864558.